The following is an entry in ClinVar:

NC_012920.1(MT-TF):m.621A>G

Gene: MT-TF (mitochondrially encoded tRNA phenylalanine; plus strand).
Variant type: single nucleotide variant.
Genome position: chrM-621-A-G.
Identifiers: ClinVar variation 689820 (VCV000689820.1), dbSNP rs1603218463, ClinGen allele CA913175643.

ClinVar aggregate classification (germline): Likely benign (1 of 4 stars; one submission).

Conditions:
MELAS syndrome (MELAS). Also called: Juvenile myopathy, encephalopathy, lactic acidosis, stroke. Identifiers: Orphanet 550, MedGen C0162671, MONDO:0010789, OMIM 540000.

Submission:

Wong Mito Lab, Molecular and Human Genetics, Baylor College of Medicine
Classification: Likely benign for MELAS syndrome. Last evaluated: 2019-07-12. Review status: criteria provided, single submitter. Criteria: Modified ACMG Guidelines (Unpublished). Collection method: clinical testing. Allele origin: germline.
Comment: The NC_012920.1:m.621A>G variant in MT-TF gene is interpreted to be a Likely Benign variant based on the modified ACMG guidelines (unpublished). This variant meets the following evidence codes reported in the guidelines: BP4, BP6

Literature cited by the submitters: PubMed 31965079.